The following is an entry in ClinVar:

ClinVar aggregate classification (germline): Pathogenic (1 of 4 stars; one submission).

Submission:

Labcorp Genetics (formerly Invitae), Labcorp
Classification: Pathogenic. Last evaluated: 2024-01-15. Review status: criteria provided, single submitter. Criteria: Invitae Variant Classification Sherloc (09022015). Collection method: clinical testing. Allele origin: germline.
Comment: This sequence change creates a premature translational stop signal (p.Tyr1376*) in the USH2A gene. It is expected to result in an absent or disrupted protein product. Loss-of-function variants in USH2A are known to be pathogenic (PMID: 10729113, 10909849, 20507924, 25649381). This variant is not present in population databases (gnomAD no frequency). This premature translational stop signal has been observed in individual(s) with Usher syndrome (PMID: 29625443). ClinVar contains an entry for this variant (Variation ID: 2169495). Algorithms developed to predict the effect of sequence changes on RNA splicing suggest that this variant may disrupt the consensus splice site. For these reasons, this variant has been classified as Pathogenic.

Literature cited by the submitters: PubMed 10729113; PubMed 10909849; PubMed 20507924; PubMed 25649381; PubMed 29625443.

NM_206933.4(USH2A):c.4128C>G (p.Tyr1376Ter)

Genes: USH2A (usherin; minus strand), USH2A-AS1 (USH2A antisense RNA 1; plus strand). Cytogenetic location: 1q41.
Variant type: single nucleotide variant.
Coding change: c.4128C>G on transcript NM_206933.4 (MANE Select); coding-DNA position 4128, C replaced by G.
Protein change: p.Tyr1376Ter; replaces tyrosine 1376 with a stop codon.
Molecular consequence: nonsense.
Genome position (GRCh38, 1-based): chr1:216,196,676, G>C on the plus strand (C>G on the coding strand, the complement: USH2A is on the minus strand). VCF-style: chr1-216196676-G-C. GRCh37 (hg19) VCF-style: chr1-216370018-G-C.
Other names: c.4128C>G, p.Tyr1376Ter (NM_007123.6); short protein forms Y1376*.
Identifiers: ClinVar variation 2169495 (VCV002169495.4), dbSNP rs2528035875, ClinGen allele CA344866593.